The following is an entry in ClinVar:

NM_002693.3(POLG):c.1658A>G (p.Lys553Arg)

Gene: POLG (DNA polymerase gamma, catalytic subunit; minus strand). Cytogenetic location: 15q26.1.
Variant type: single nucleotide variant.
Coding change: c.1658A>G on transcript NM_002693.3 (MANE Select); coding-DNA position 1658, A replaced by G.
Protein change: p.Lys553Arg; replaces lysine 553 with arginine.
Molecular consequence: missense variant.
Genome position (GRCh38, 1-based): chr15:89,326,666, T>C on the plus strand (A>G on the coding strand, the complement: POLG is on the minus strand). VCF-style: chr15-89326666-T-C. GRCh37 (hg19) VCF-style: chr15-89869897-T-C.
Other names: c.1658A>G, p.Lys553Arg (NM_001126131.2); short protein forms K553R.
Identifiers: ClinVar variation 2845582 (VCV002845582.3), dbSNP rs1261391221, ClinGen allele CA393760527.

ClinVar aggregate classification (germline): Uncertain significance (1 of 4 stars; one submission).

Conditions:
Progressive sclerosing poliodystrophy (MTDPS4A). Also called: Mitochondrial DNA depletion syndrome 4A (Alpers type); ALPERS PROGRESSIVE INFANTILE POLIODYSTROPHY; NEURONAL DEGENERATION OF CHILDHOOD WITH LIVER DISEASE, PROGRESSIVE; Alpers Syndrome; ALPERS DIFFUSE DEGENERATION OF CEREBRAL GRAY MATTER WITH HEPATIC CIRRHOSIS; Alpers-Huttenlocher Syndrome. Identifiers: Orphanet 726, MedGen C0205710, MONDO:0008758, OMIM 203700.

Submission:

Labcorp Genetics (formerly Invitae), Labcorp
Classification: Uncertain significance for Progressive sclerosing poliodystrophy. Last evaluated: 2023-07-18. Review status: criteria provided, single submitter. Criteria: Invitae Variant Classification Sherloc (09022015). Collection method: clinical testing. Allele origin: germline.
Comment: This sequence change replaces lysine, which is basic and polar, with arginine, which is basic and polar, at codon 553 of the POLG protein (p.Lys553Arg). This variant is not present in population databases (gnomAD no frequency). This variant has not been reported in the literature in individuals affected with POLG-related conditions. Advanced modeling of protein sequence and biophysical properties (such as structural, functional, and spatial information, amino acid conservation, physicochemical variation, residue mobility, and thermodynamic stability) performed at Invitae indicates that this missense variant is not expected to disrupt POLG protein function. In summary, the available evidence is currently insufficient to determine the role of this variant in disease. Therefore, it has been classified as a Variant of Uncertain Significance.